The following is an entry in ClinVar:

NM_177438.3(DICER1):c.109del (p.Ile37fs)

Gene: DICER1 (dicer 1, ribonuclease III; minus strand). Cytogenetic location: 14q32.13.
Variant type: Deletion.
Coding change: c.109del on transcript NM_177438.3 (MANE Select); coding-DNA position 109, one base deleted (A; older notation c.109delA).
Protein change: p.Ile37fs; shifts the reading frame from isoleucine 37.
Molecular consequence: frameshift variant.
Genome position (GRCh38, 1-based): chr14:95,133,350, T deleted on the plus strand (A on the coding strand, the reverse complement: DICER1 is on the minus strand); the first of 2 consecutive T bases (chr14:95,133,350-95,133,351); deleting either gives the same sequence. VCF-style (leftmost placement, unchanged base first): chr14-95133349-AT-A. GRCh37 (hg19) VCF-style: chr14-95599686-AT-A.
Other names: c.109del, p.Ile37fs (NM_001195573.1, NM_001271282.3, NM_001291628.2 and 1 more transcripts); short protein forms I37fs.
Identifiers: ClinVar variation 1421798 (VCV001421798.7), dbSNP rs2140295512, ClinGen allele CA2573150343.

ClinVar aggregate classification (germline): Pathogenic (1 of 4 stars; one submission).

Conditions:
DICER1-related tumor predisposition. Also called: DICER1-related pleuropulmonary blastoma cancer predisposition syndrome; DICER1 syndrome. Identifiers: Orphanet 284343, MedGen C3839822, MONDO:0100216.

Submission:

Labcorp Genetics (formerly Invitae), Labcorp
Classification: Pathogenic for DICER1-related tumor predisposition. Last evaluated: 2021-10-28. Review status: criteria provided, single submitter. Criteria: Invitae Variant Classification Sherloc (09022015). Collection method: clinical testing. Allele origin: germline.
Comment: For these reasons, this variant has been classified as Pathogenic. This variant has not been reported in the literature in individuals affected with DICER1-related conditions. This variant is not present in population databases (gnomAD no frequency). This sequence change creates a premature translational stop signal (p.Ile37Phefs*28) in the DICER1 gene. It is expected to result in an absent or disrupted protein product. Loss-of-function variants in DICER1 are known to be pathogenic (PMID: 19556464, 21266384).

Literature cited by the submitters: PubMed 19556464; PubMed 21266384.